The following is an entry in ClinVar:

ClinVar aggregate classification (germline): Uncertain significance (1 of 4 stars; one submission).

gnomAD v4.1: 1 of 1,614,006 alleles (0.000062%); highest among the groups gnomAD compares: Admixed American, 0.0017%; no homozygotes.

Submission:

Ambry Genetics
Classification: Uncertain significance. Last evaluated: 2024-06-21. Review status: criteria provided, single submitter. Criteria: Ambry Variant Classification Scheme 2023. Collection method: clinical testing. Allele origin: germline.
Comment: The p.P633R variant (also known as c.1898C>G), located in coding exon 1 of the MLH3 gene, results from a C to G substitution at nucleotide position 1898. The proline at codon 633 is replaced by arginine, an amino acid with dissimilar properties. This amino acid position is conserved. In addition, this alteration is predicted to be tolerated by in silico analysis. Based on the available evidence, the clinical significance of this variant remains unclear.

NM_001040108.2(MLH3):c.1898C>G (p.Pro633Arg)

Gene: MLH3 (mutL homolog 3; minus strand). Cytogenetic location: 14q24.3.
Variant type: single nucleotide variant.
Coding change: c.1898C>G on transcript NM_001040108.2 (MANE Select); coding-DNA position 1898, C replaced by G.
Protein change: p.Pro633Arg; replaces proline 633 with arginine.
Molecular consequence: missense variant.
Genome position (GRCh38, 1-based): chr14:75,047,758, G>C on the plus strand (C>G on the coding strand, the complement: MLH3 is on the minus strand). VCF-style: chr14-75047758-G-C. GRCh37 (hg19) VCF-style: chr14-75514461-G-C.
Other names: c.1898C>G, p.Pro633Arg (NM_014381.3); short protein forms P633R.
Identifiers: ClinVar variation 3295167 (VCV003295167.1).